The following is an entry in ClinVar:

NM_001103.4(ACTN2):c.2306A>C (p.Lys769Thr)

Gene: ACTN2 (actinin alpha 2; plus strand). Cytogenetic location: 1q43.
Variant type: single nucleotide variant.
Coding change: c.2306A>C on transcript NM_001103.4 (MANE Select); coding-DNA position 2306, A replaced by C.
Protein change: p.Lys769Thr; replaces lysine 769 with threonine.
Molecular consequence: missense variant.
Genome position (GRCh38, 1-based): chr1:236,759,728, A>C. VCF-style: chr1-236759728-A-C. GRCh37 (hg19) VCF-style: chr1-236923028-A-C.
Other names: c.2306A>C (NM_001103.3); c.2306A>C, p.Lys769Thr (NM_001278343.2); c.1682A>C, p.Lys561Thr (NM_001278344.2); short protein forms K769T, K561T.
Identifiers: ClinVar variation 43925 (VCV000043925.11), dbSNP rs397516573, ClinGen allele CA133175.
Genomic context (GRCh38, chr1:236,759,728, plus strand): 5'-AGAGTTGCTCATCTTGCCCTGTGCTCACCTGCTCTGTCCTTTGTTTTTGCCAACAGAGGA[A>C]GAATGGCCTGATGGATCATGAGGATTTCAGAGCCTGCCTGATTTCCATGGGTTATGACCT-3'
Protein context (NP_001094.1, residues 759-779): RASFNHFDRR[Lys769Thr]NGLMDHEDFR

ClinVar aggregate classification (germline): Conflicting classifications of pathogenicity. Review status: criteria provided, conflicting classifications (1 of 4 stars). 4 submissions from 4 submitters: Uncertain significance (3); Likely benign (1). Last evaluated 2023-11-16.

Conditions:
Cardiovascular phenotype. Identifiers: MedGen CN230736.
Dilated cardiomyopathy 1AA (CMD1AA). Also called: Cardiomyopathy, dilated, 1AA, with or without LVNC; CARDIOMYOPATHY, DILATED, 1AA, WITH OR WITHOUT LEFT VENTRICULAR NONCOMPACTION; CARDIOMYOPATHY, FAMILIAL HYPERTROPHIC, 23, WITH OR WITHOUT LEFT VENTRICULAR NONCOMPACTION. Identifiers: Orphanet 154, MedGen C2677338, MONDO:0012808, OMIM 612158.
Primary familial hypertrophic cardiomyopathy (HCM). Identifiers: Orphanet 99739, MedGen C0949658, MeSH D024741, MONDO:0024573. Inheritance: Various modes of inheritance.

Allele frequency attached by ClinVar (database versions not stated): TOPMed below 0.00001; gnomAD 0.00001.
gnomAD v4.1: 1 of 1,613,960 alleles (0.000062%); highest among the groups gnomAD compares: African/African-American, 0.0013%; no homozygotes.

Submissions (4):

KardioGenetik, Herz- und Diabeteszentrum NRW
Classification: Uncertain significance for Dilated cardiomyopathy 1AA. Last evaluated: 2023-11-16. Review status: criteria provided, single submitter. Criteria: ACMG Guidelines, 2015. Collection method: clinical testing. Allele origin: unknown. Observed: 1 variant allele.

Labcorp Genetics (formerly Invitae), Labcorp
Classification: Likely benign for Primary familial hypertrophic cardiomyopathy; Dilated cardiomyopathy 1AA. Last evaluated: 2022-12-02. Review status: criteria provided, single submitter. Criteria: Invitae Variant Classification Sherloc (09022015). Collection method: clinical testing. Allele origin: germline.

Ambry Genetics
Classification: Uncertain significance for Cardiovascular phenotype. Last evaluated: 2020-01-14. Review status: criteria provided, single submitter. Criteria: Ambry Variant Classification Scheme 2023. Collection method: clinical testing. Allele origin: germline.

Laboratory for Molecular Medicine, Mass General Brigham Personalized Medicine
Classification: Uncertain significance. Last evaluated: 2012-09-19. Review status: criteria provided, single submitter. Criteria: LMM Criteria. Collection method: clinical testing. Allele origin: germline. Observed: 1 variant allele.
Comment: The Lys769Thr variant in ACTN2 has not been reported in the literature nor previ ously identified by our laboratory. This low frequency supports a role in disease. However, the affected amino acid is not well conserved in evolution, suggesting that a change may be tolerated. Other co mputational analyses (biochemical amino acid properties, AlignGVGD, PolyPhen2, a nd SIFT) do not provide strong support for or against an impact to the protein. Additional information is needed to fully assess the clinical significance of th is variant.